The following is an entry in ClinVar:

NM_139057.4(ADAMTS17):c.3187G>T (p.Glu1063Ter)

Gene: ADAMTS17 (ADAM metallopeptidase with thrombospondin type 1 motif 17; minus strand). Cytogenetic location: 15q26.3.
Variant type: single nucleotide variant.
Coding change: c.3187G>T on transcript NM_139057.4 (MANE Select); coding-DNA position 3187, G replaced by T.
Protein change: p.Glu1063Ter; replaces glutamic acid 1063 with a stop codon.
Molecular consequence: nonsense.
Genome position (GRCh38, 1-based): chr15:99,974,503, C>A on the plus strand (G>T on the coding strand, the complement: ADAMTS17 is on the minus strand). VCF-style: chr15-99974503-C-A. GRCh37 (hg19) VCF-style: chr15-100514708-C-A.
Other names: short protein forms E1063*.
Identifiers: ClinVar variation 2873434 (VCV002873434.2), dbSNP rs777160312, ClinGen allele CA393692115.

ClinVar aggregate classification (germline): Uncertain significance (1 of 4 stars; one submission).

gnomAD v4.1: 3 of 1,614,092 alleles (0.00019%); highest among the groups gnomAD compares: Non-Finnish European, 0.00025%; no homozygotes.

Submission:

Labcorp Genetics (formerly Invitae), Labcorp
Classification: Uncertain significance. Last evaluated: 2023-08-06. Review status: criteria provided, single submitter. Criteria: Invitae Variant Classification Sherloc (09022015). Collection method: clinical testing. Allele origin: germline.
Comment: In summary, the available evidence is currently insufficient to determine the role of this variant in disease. Therefore, it has been classified as a Variant of Uncertain Significance. This variant has not been reported in the literature in individuals affected with ADAMTS17-related conditions. This variant is present in population databases (no rsID available, gnomAD 0.0009%). This sequence change creates a premature translational stop signal (p.Glu1063*) in the ADAMTS17 gene. While this is not anticipated to result in nonsense mediated decay, it is expected to disrupt the last 33 amino acid(s) of the ADAMTS17 protein.